The following is an entry in ClinVar:

ClinVar aggregate classification (germline): Uncertain significance (1 of 4 stars; one submission).

gnomAD v4.1: 49 of 1,576,766 alleles (0.0031%); highest among the groups gnomAD compares: Non-Finnish European, 0.0039%; no homozygotes.

Submission:

Labcorp Genetics (formerly Invitae), Labcorp
Classification: Uncertain significance. Last evaluated: 2025-01-06. Review status: criteria provided, single submitter. Criteria: Invitae Variant Classification Sherloc (09022015). Collection method: clinical testing. Allele origin: germline.
Comment: This sequence change replaces arginine, which is basic and polar, with histidine, which is basic and polar, at codon 385 of the TGFB1 protein (p.Arg385His). The frequency data for this variant in the population databases is considered unreliable, as metrics indicate poor data quality at this position in the gnomAD database. This variant has not been reported in the literature in individuals affected with TGFB1-related conditions. ClinVar contains an entry for this variant (Variation ID: 2166952). Invitae Evidence Modeling of protein sequence and biophysical properties (such as structural, functional, and spatial information, amino acid conservation, physicochemical variation, residue mobility, and thermodynamic stability) indicates that this missense variant is not expected to disrupt TGFB1 protein function with a negative predictive value of 80%. In summary, the available evidence is currently insufficient to determine the role of this variant in disease. Therefore, it has been classified as a Variant of Uncertain Significance.

NM_000660.7(TGFB1):c.1154G>A (p.Arg385His)

Gene: TGFB1 (transforming growth factor beta 1; minus strand). Cytogenetic location: 19q13.2.
Variant type: single nucleotide variant.
Coding change: c.1154G>A on transcript NM_000660.7 (MANE Select); coding-DNA position 1154, G replaced by A.
Protein change: p.Arg385His; replaces arginine 385 with histidine.
Molecular consequence: missense variant.
Genome position (GRCh38, 1-based): chr19:41,331,071, C>T on the plus strand (G>A on the coding strand, the complement: TGFB1 is on the minus strand). VCF-style: chr19-41331071-C-T. GRCh37 (hg19) VCF-style: chr19-41836976-C-T.
Other names: short protein forms R385H.
Identifiers: ClinVar variation 2166952 (VCV002166952.4), dbSNP rs201700967, ClinGen allele CA308561737.
Genomic context (GRCh38, chr19:41,331,071, plus strand): 5'-GGGGCCGGGCCTGCCGGGGCGGGGCGGGGCGGGGCGGGACCTCAGCTGCACTTGCAGGAG[C>T]GCACGATCATGTTGGACAGCTGCTCCACCTTGGGCTTGCGGCCCACGTAGTACACGATGG-3'
Protein context (NP_000651.3, residues 375-390): KVEQLSNMIV[Arg385His]SCKCS